The following is an entry in ClinVar:

NM_004036.5(ADCY3):c.492G>T (p.Ala164=)

Gene: ADCY3 (adenylate cyclase 3; minus strand). Cytogenetic location: 2p23.3.
Variant type: single nucleotide variant.
Coding change: c.492G>T on transcript NM_004036.5 (MANE Select); coding-DNA position 492, G replaced by T.
Protein change: p.Ala164=; no amino-acid change (alanine 164 retained).
Molecular consequence: synonymous variant.
Genome position (GRCh38, 1-based): chr2:24,918,496, C>A on the plus strand (G>T on the coding strand, the complement: ADCY3 is on the minus strand). VCF-style: chr2-24918496-C-A. GRCh37 (hg19) VCF-style: chr2-25141365-C-A.
Other names: c.492G>T, p.Ala164= (NM_001320613.2, NM_001377128.1, NM_001377129.1 and 2 more transcripts).
Identifiers: ClinVar variation 3353055 (VCV003353055.1).

ClinVar aggregate classification (germline): Likely benign (0 of 4 stars; one submission).

Conditions:
ADCY3-related disorder. Also called: ADCY3-related condition.

gnomAD v4.1: 12 of 1,613,774 alleles (0.00074%); highest among the groups gnomAD compares: African/African-American, 0.013%; no homozygotes.

Submission:

PreventionGenetics, part of Exact Sciences
Classification: Likely benign for ADCY3-related condition. Last evaluated: 2021-04-01. Review status: no assertion criteria provided. Collection method: clinical testing. Allele origin: germline.
Comment: This variant is classified as likely benign based on ACMG/AMP sequence variant interpretation guidelines (Richards et al. 2015 PMID: 25741868, with internal and published modifications).